The following is an entry in ClinVar:

NM_001035.3(RYR2):c.7500T>C (p.Ala2500=)

Gene: RYR2 (ryanodine receptor 2; plus strand). Cytogenetic location: 1q43.
Variant type: single nucleotide variant.
Coding change: c.7500T>C on transcript NM_001035.3 (MANE Select); coding-DNA position 7500, T replaced by C.
Protein change: p.Ala2500=; no amino-acid change (alanine 2500 retained).
Molecular consequence: synonymous variant.
Genome position (GRCh38, 1-based): chr1:237,648,601, T>C. VCF-style: chr1-237648601-T-C. GRCh37 (hg19) VCF-style: chr1-237811901-T-C.
Other names: c.7500T>C (NM_001035.2).
Identifiers: ClinVar variation 3075286 (VCV003075286.2), dbSNP rs2547026771, ClinGen allele CA423819773.
Genomic context (GRCh38, chr1:237,648,601, plus strand): 5'-TCAAGACTTCCTCCTCCATCTTCTTGAGGTTGGCTTTCTGCCAGATCTCCGGGCGGCTGC[T>C]TCTTTAGATACGGTGAGATTGGAGCGATGGACTTCCTCCTCTCTTGACTCTTCACTCTGT-3'
Protein context (NP_001026.2, residues 2490-2510): VGFLPDLRAA[Ala2500=]SLDTAALSAT

ClinVar aggregate classification (germline): Likely benign. Review status: criteria provided, multiple submitters, no conflicts (2 of 4 stars). 2 submissions from 2 submitters: Likely benign (2). Last evaluated 2026-05-03.

Conditions:
Catecholaminergic polymorphic ventricular tachycardia (CVPT). Also called: Catecholamine-induced polymorphic ventricular tachycardia. Identifiers: Orphanet 3286, MedGen C5574922, MONDO:0017990.
Cardiovascular phenotype. Identifiers: MedGen CN230736.

Submissions (2):

Ambry Genetics
Classification: Likely benign for Cardiovascular phenotype. Last evaluated: 2026-05-03. Review status: criteria provided, single submitter. Criteria: Ambry Variant Classification Scheme 2023. Collection method: clinical testing. Allele origin: germline.

All of Us Research Program, National Institutes of Health
Classification: Likely benign for Catecholaminergic polymorphic ventricular tachycardia. Last evaluated: 2024-01-03. Review status: criteria provided, single submitter. Criteria: ACMG Guidelines, 2015. Collection method: clinical testing. Allele origin: germline. Inheritance: Autosomal dominant inheritance. Observed: 1 variant allele, 1 heterozygote.
Comment: This study involves interpretation of variants in research participants for the purpose of population health screening. Participant phenotype was not available at the time of variant classification. Additional details can be found in publication PMID: 35346344, PMCID: PMC8962531